The following is an entry in ClinVar:

NM_001190274.2(FBXO11):c.2228-4A>T

Gene: FBXO11 (F-box protein 11; minus strand). Cytogenetic location: 2p16.3.
Variant type: single nucleotide variant.
Coding change: c.2228-4A>T on transcript NM_001190274.2 (MANE Select); 4 bases into the intron before coding-DNA position 2228, A replaced by T.
Molecular consequence: intron variant.
Genome position (GRCh38, 1-based): chr2:47,810,430, T>A on the plus strand (A>T on the coding strand, the complement: FBXO11 is on the minus strand). VCF-style: chr2-47810430-T-A. GRCh37 (hg19) VCF-style: chr2-48037569-T-A.
Other names: c.1976-4A>T (NM_001374325.1, NM_025133.4); c.2228-4A>T (NM_001190274.1).
Identifiers: ClinVar variation 1554033 (VCV001554033.36), dbSNP rs201792526, ClinGen allele CA532354965.
Genomic context (GRCh38, chr2:47,810,430, plus strand): 5'-TGCTGATGAGAACACCTGCTTGAGCATTCCTGAAAATATCATTTTCTTCAAGGAGACCTA[T>A]AATAAAATATTTCCTTAGATTAAGGCTAATGCATATAACAGACTACTAACCTTTTTGGTG-3'

ClinVar aggregate classification (germline): Likely benign. Review status: criteria provided, multiple submitters, no conflicts (2 of 4 stars). 4 submissions from 4 submitters: Likely benign (3). 1 of the submissions does not count toward it. Last evaluated 2025-10-01.

Conditions:
FBXO11-related disorder. Also called: FBXO11-related condition.

gnomAD v4.1: 9 of 1,578,792 alleles (0.00057%); highest among the groups gnomAD compares: Admixed American, 0.0052%; no homozygotes.

Submissions (4):

Labcorp Genetics (formerly Invitae), Labcorp
Classification: Likely benign. Last evaluated: 2025-10-01. Review status: criteria provided, single submitter. Criteria: Invitae Variant Classification Sherloc (09022015). Collection method: clinical testing. Allele origin: germline.

Blueprint Genetics
Classification: Likely benign. Last evaluated: 2024-05-23. Review status: criteria provided, single submitter. Criteria: ACMG Guidelines, 2015. Collection method: clinical testing. Allele origin: germline.

CeGaT Center for Human Genetics Tuebingen
Classification: Likely benign. Last evaluated: 2023-04-01. Review status: criteria provided, single submitter. Criteria: CeGaT Center For Human Genetics Tuebingen Variant Classification Criteria Version 2. Collection method: clinical testing. Allele origin: germline. Affected: yes. Observed: 1 variant allele.
Comment: FBXO11: BP4

PreventionGenetics, part of Exact Sciences
Classification: Likely benign for FBXO11-related condition. Last evaluated: 2019-06-13. Review status: no assertion criteria provided. Collection method: clinical testing. Allele origin: germline. Not counted in ClinVar's aggregate classification.
Comment: This variant is classified as likely benign based on ACMG/AMP sequence variant interpretation guidelines (Richards et al. 2015 PMID: 25741868, with internal and published modifications).